The following is an entry in ClinVar:

NM_001698.3(AUH):c.471del (p.Phe157fs)

Gene: AUH (AU RNA binding methylglutaconyl-CoA hydratase; minus strand). Cytogenetic location: 9q22.31.
Variant type: Deletion.
Coding change: c.471del on transcript NM_001698.3 (MANE Select); coding-DNA position 471, one base deleted (T; older notation c.471delT).
Protein change: p.Phe157fs; shifts the reading frame from phenylalanine 157.
Molecular consequence: frameshift variant. On other transcripts: intron variant (1).
Genome position (GRCh38, 1-based): chr9:91,325,352, A deleted on the plus strand (T on the coding strand, the reverse complement: AUH is on the minus strand); the first of 4 consecutive A bases (chr9:91,325,352-91,325,355); deleting any one gives the same sequence. VCF-style (leftmost placement, unchanged base first): chr9-91325351-CA-C. GRCh37 (hg19) VCF-style: chr9-94087633-CA-C.
Other names: c.144del, p.Phe48fs (NM_001351431.2, NM_001351432.2, NM_001351433.2); c.419-27276del (NM_001306190.2); short protein forms F157fs, F48fs.
Identifiers: ClinVar variation 2812871 (VCV002812871.3), dbSNP rs2538069355, ClinGen allele CA2690624648.
Genomic context (GRCh38, chr9:91,325,351, plus strand): 5'-CTGAAAGAAGAACTTAATAGTGCTTACCAATATCGTTAATCACTGCTCTTATTTTGGAGA[CA>C]AAAGGACCAACTTCACTGGAACTCATTTTGGCTCTTTCCTTAAGGTCAGCACCTGCAAAG-3'

ClinVar aggregate classification (germline): Pathogenic (1 of 4 stars; one submission).

Conditions:
3-methylglutaconic aciduria type 1 (MGCA1). Identifiers: Orphanet 67046, MedGen C0342727, MONDO:0009610, OMIM 250950.

Submission:

Labcorp Genetics (formerly Invitae), Labcorp
Classification: Pathogenic for 3-methylglutaconic aciduria type 1. Last evaluated: 2023-07-17. Review status: criteria provided, single submitter. Criteria: Invitae Variant Classification Sherloc (09022015). Collection method: clinical testing. Allele origin: germline.
Comment: This variant is not present in population databases (gnomAD no frequency). This sequence change creates a premature translational stop signal (p.Phe157Leufs*5) in the AUH gene. It is expected to result in an absent or disrupted protein product. Loss-of-function variants in AUH are known to be pathogenic (PMID: 12655555, 20882351). For these reasons, this variant has been classified as Pathogenic. This variant has not been reported in the literature in individuals affected with AUH-related conditions.

Literature cited by the submitters: PubMed 12655555; PubMed 20882351.